The following is an entry in ClinVar:

NM_004204.5(PIGQ):c.1720A>G (p.Arg574Gly)

Gene: PIGQ (phosphatidylinositol glycan anchor biosynthesis class Q; plus strand). Cytogenetic location: 16p13.3.
Variant type: single nucleotide variant.
Coding change: c.1720A>G on transcript NM_004204.5 (MANE Select); coding-DNA position 1720, A replaced by G.
Protein change: p.Arg574Gly; replaces arginine 574 with glycine.
Molecular consequence: missense variant.
Genome position (GRCh38, 1-based): chr16:583,009, A>G. VCF-style: chr16-583009-A-G. GRCh37 (hg19) VCF-style: chr16-633009-A-G.
Other names: c.1658A>G, p.Glu553Gly (NM_148920.4); short protein forms E553G, R574G.
Identifiers: ClinVar variation 1016366 (VCV001016366.8), dbSNP rs750460655, ClinGen allele CA7780515.

ClinVar aggregate classification (germline): Uncertain significance (1 of 4 stars; one submission).

Conditions:
Epilepsy. Also called: Seizure disorder. Identifiers: MedGen C0014544, MeSH D004827, MONDO:0005027.

Allele frequency attached by ClinVar (database versions not stated): ExAC 0.00001; TOPMed 0.00002; gnomAD exomes 0.00001 and below 0.00001; gnomAD 0.00001.
gnomAD v4.1: 3 of 1,612,980 alleles (0.00019%); highest among the groups gnomAD compares: African/African-American, 0.004%; no homozygotes.

Submission:

Labcorp Genetics (formerly Invitae), Labcorp
Classification: Uncertain significance for Epilepsy. Last evaluated: 2020-08-27. Review status: criteria provided, single submitter. Criteria: Invitae Variant Classification Sherloc (09022015). Collection method: clinical testing. Allele origin: germline.
Comment: In summary, the available evidence is currently insufficient to determine the role of this variant in disease. Therefore, it has been classified as a Variant of Uncertain Significance. Algorithms developed to predict the effect of missense changes on protein structure and function (SIFT, PolyPhen-2, Align-GVGD) all suggest that this variant is likely to be tolerated, but these predictions have not been confirmed by published functional studies and their clinical significance is uncertain. This variant has not been reported in the literature in individuals with PIGQ-related conditions. This variant is present in population databases (rs750460655, ExAC 0.01%). This sequence change replaces arginine with glycine at codon 574 of the PIGQ protein (p.Arg574Gly). The arginine residue is weakly conserved and there is a moderate physicochemical difference between arginine and glycine.